The following is an entry in ClinVar:

ClinVar aggregate classification (germline): Uncertain significance (1 of 4 stars; one submission).

Conditions:
Rod-cone dystrophy. Identifiers: MedGen C4551714, HP:0000510.

gnomAD v4.1: 4 of 1,611,698 alleles (0.00025%); highest among the groups gnomAD compares: Non-Finnish European, 0.00025%; no homozygotes.

Submission:

Ocular Genomics Institute, Massachusetts Eye and Ear
Classification: Uncertain significance for Rod-cone dystrophy. Last evaluated: 2021-04-08. Review status: criteria provided, single submitter. Criteria: ACMG Guidelines, 2015. Collection method: research. Allele origin: germline. Affected: yes.
Comment: Through a review of available evidence we were able to apply the following criteria: PM1, PM2, PP3. Based on this evidence we have classified this variant as Variant of Uncertain Significance.

NM_019892.6(INPP5E):c.914C>T (p.Thr305Ile)

Gene: INPP5E (inositol polyphosphate-5-phosphatase E; minus strand). Cytogenetic location: 9q34.3.
Variant type: single nucleotide variant.
Coding change: c.914C>T on transcript NM_019892.6 (MANE Select); coding-DNA position 914, C replaced by T.
Protein change: p.Thr305Ile; replaces threonine 305 with isoleucine.
Molecular consequence: missense variant.
Genome position (GRCh38, 1-based): chr9:136,434,762, G>A on the plus strand (C>T on the coding strand, the complement: INPP5E is on the minus strand). VCF-style: chr9-136434762-G-A. GRCh37 (hg19) VCF-style: chr9-139329214-G-A.
Other names: c.914C>T, p.Thr305Ile (NM_001318502.2); short protein forms T305I.
Identifiers: ClinVar variation 1065697 (VCV001065697.1), dbSNP rs2131611272, ClinGen allele CA375565684.